The following is an entry in ClinVar:

ClinVar aggregate classification (germline): Uncertain significance. Review status: criteria provided, multiple submitters, no conflicts (2 of 4 stars). 2 submissions from 2 submitters: Uncertain significance (2). Last evaluated 2024-05-21.

Conditions:
X-linked spondyloepimetaphyseal dysplasia. Identifiers: Orphanet 93349, MedGen C1848097, MONDO:0010248, OMIM 300106.
Meester-Loeys syndrome. Also called: X-linked severe syndromic thoracic aortic aneurysm and dissection. Identifiers: Orphanet 622925, MedGen C4310811, MONDO:0010515, OMIM 300989.

Submissions (2):

GeneDx
Classification: Uncertain significance. Last evaluated: 2024-05-21. Review status: criteria provided, single submitter. Criteria: GeneDx Variant Classification Process June 2021. Collection method: clinical testing. Allele origin: germline. Affected: yes.
Comment: Has not been previously published as pathogenic or benign to our knowledge; Not observed at significant frequency in large population cohorts (gnomAD); In silico analysis indicates that this missense variant does not alter protein structure/function; Variants in candidate genes are classified as variants of uncertain significance in accordance with ACMG guidelines (PMID: 25741868)

Fulgent Genetics
Classification: Uncertain significance for X-linked spondyloepimetaphyseal dysplasia; Meester-Loeys syndrome. Last evaluated: 2024-04-30. Review status: criteria provided, single submitter. Criteria: ACMG Guidelines, 2015. Collection method: clinical testing. Allele origin: germline.

NM_001711.6(BGN):c.185T>C (p.Met62Thr)

Gene: BGN (biglycan; plus strand). Cytogenetic location: Xq28.
Variant type: single nucleotide variant.
Coding change: c.185T>C on transcript NM_001711.6 (MANE Select); coding-DNA position 185, T replaced by C.
Protein change: p.Met62Thr; replaces methionine 62 with threonine.
Molecular consequence: missense variant.
Genome position (GRCh38, 1-based): chrX:153,504,816, T>C. VCF-style: chrX-153504816-T-C. GRCh37 (hg19) VCF-style: chrX-152770274-T-C.
Other names: c.185T>C (NM_001711.5); short protein forms M62T.
Identifiers: ClinVar variation 3598158 (VCV003598158.2).